The following is an entry in ClinVar:

ClinVar aggregate classification (germline): Uncertain significance (1 of 4 stars; one submission).

Conditions:
Charcot-Marie-Tooth disease axonal type 2V. Also called: CHARCOT-MARIE-TOOTH NEUROPATHY, TYPE 2V; CHARCOT-MARIE-TOOTH DISEASE, AXONAL, AUTOSOMAL DOMINANT, TYPE 2V. Identifiers: Orphanet 447964, MedGen C5569050, MONDO:0014665, OMIM 616491.
Mucopolysaccharidosis, MPS-III-B (MPS3B). Also called: N-ACETYL-ALPHA-D-GLUCOSAMINIDASE DEFICIENCY; NAGLU DEFICIENCY; SANFILIPPO SYNDROME B; MPS III B; MUCOPOLYSACCHARIDOSIS, TYPE IIIB; MPS IIIB (Sanfilippo Syndrome Type B). Identifiers: Orphanet 79270, MedGen C0086648, MONDO:0009656, OMIM 252920.

Allele frequency attached by ClinVar (database versions not stated): TOPMed 0.00005; gnomAD 0.00003.

Submission:

Labcorp Genetics (formerly Invitae), Labcorp
Classification: Uncertain significance for Charcot-Marie-Tooth disease axonal type 2V; Mucopolysaccharidosis, MPS-III-B. Last evaluated: 2022-08-11. Review status: criteria provided, single submitter. Criteria: Invitae Variant Classification Sherloc (09022015). Collection method: clinical testing. Allele origin: germline.
Comment: This sequence change replaces glutamic acid, which is acidic and polar, with glycine, which is neutral and non-polar, at codon 2 of the NAGLU protein (p.Glu2Gly). This variant is not present in population databases (gnomAD no frequency). This variant has not been reported in the literature in individuals affected with NAGLU-related conditions. Advanced modeling of protein sequence and biophysical properties (such as structural, functional, and spatial information, amino acid conservation, physicochemical variation, residue mobility, and thermodynamic stability) performed at Invitae indicates that this missense variant is not expected to disrupt NAGLU protein function. In summary, the available evidence is currently insufficient to determine the role of this variant in disease. Therefore, it has been classified as a Variant of Uncertain Significance.

NM_000263.4(NAGLU):c.5A>G (p.Glu2Gly)

Genes: NAGLU (N-acetyl-alpha-glucosaminidase; plus strand), LOC130060903 (ATAC-STARR-seq lymphoblastoid silent region 8533; plus strand). Cytogenetic location: 17q21.2.
Variant type: single nucleotide variant.
Coding change: c.5A>G on transcript NM_000263.4 (MANE Select); coding-DNA position 5, A replaced by G.
Protein change: p.Glu2Gly; replaces glutamic acid 2 with glycine.
Molecular consequence: missense variant.
Genome position (GRCh38, 1-based): chr17:42,536,277, A>G. VCF-style: chr17-42536277-A-G. GRCh37 (hg19) VCF-style: chr17-40688295-A-G.
Other names: short protein forms E2G.
Identifiers: ClinVar variation 2143377 (VCV002143377.1), dbSNP rs904902945, ClinGen allele CA290771162.